The following is an entry in ClinVar:

ClinVar aggregate classification (germline): Uncertain significance (1 of 4 stars; one submission).

Submission:

Labcorp Genetics (formerly Invitae), Labcorp
Classification: Uncertain significance. Last evaluated: 2024-06-09. Review status: criteria provided, single submitter. Criteria: Invitae Variant Classification Sherloc (09022015). Collection method: clinical testing. Allele origin: germline.
Comment: This sequence change replaces alanine, which is neutral and non-polar, with valine, which is neutral and non-polar, at codon 801 of the LRP6 protein (p.Ala801Val). This variant is not present in population databases (gnomAD no frequency). This variant has not been reported in the literature in individuals affected with LRP6-related conditions. Advanced modeling of protein sequence and biophysical properties (such as structural, functional, and spatial information, amino acid conservation, physicochemical variation, residue mobility, and thermodynamic stability) performed at Invitae indicates that this missense variant is not expected to disrupt LRP6 protein function with a negative predictive value of 80%. In summary, the available evidence is currently insufficient to determine the role of this variant in disease. Therefore, it has been classified as a Variant of Uncertain Significance.

NM_002336.3(LRP6):c.2402C>T (p.Ala801Val)

Gene: LRP6 (LDL receptor related protein 6; minus strand). Cytogenetic location: 12p13.2.
Variant type: single nucleotide variant.
Coding change: c.2402C>T on transcript NM_002336.3 (MANE Select); coding-DNA position 2402, C replaced by T.
Protein change: p.Ala801Val; replaces alanine 801 with valine.
Molecular consequence: missense variant. On other transcripts: non-coding transcript variant (1).
Genome position (GRCh38, 1-based): chr12:12,159,842, G>A on the plus strand (C>T on the coding strand, the complement: LRP6 is on the minus strand). VCF-style: chr12-12159842-G-A. GRCh37 (hg19) VCF-style: chr12-12312776-G-A.
Other names: c.2402C>T, p.Ala801Val (NM_001414244.1, NM_001414245.1, NM_001414246.1 and 4 more transcripts); c.2204C>T, p.Ala735Val (NM_001414247.1); c.1949C>T, p.Ala650Val (NM_001414252.1, NM_001414253.1, NM_001414254.1); c.1895C>T, p.Ala632Val (NM_001414255.1); short protein forms A650V, A735V, A632V, A801V.
Identifiers: ClinVar variation 3692535 (VCV003692535.2).
Genomic context (GRCh38, chr12:12,159,842, plus strand): 5'-AGCATATTTGAAGATTCTATTAAGTTGGTGTCCAGGTCTGTCCAATAAAGCCTCCTTTTA[G>A]CATAATCAATAGTTAGGCCGTTTGCCCGCCCCACATTTGGAACTAAGGTAGTACGTTCAC-3'
Protein context (NP_002327.2, residues 791-811): GRANGLTIDY[Ala801Val]KRRLYWTDLD